The following is an entry in ClinVar:

NM_006796.3(AFG3L2):c.2392T>C (p.Ter798Gln)

Genes: AFG3L2 (AFG3 like matrix AAA peptidase subunit 2; minus strand), TUBB6 (tubulin beta 6 class V; plus strand). Cytogenetic location: 18p11.21.
Variant type: single nucleotide variant.
Coding change: c.2392T>C on transcript NM_006796.3 (MANE Select); coding-DNA position 2392, T replaced by C.
Protein change: p.Ter798Gln.
Molecular consequence: stop lost. On other transcripts: 3 prime UTR variant (1).
Genome position (GRCh38, 1-based): chr18:12,329,567, A>G on the plus strand (T>C on the coding strand, the complement: AFG3L2 is on the minus strand). VCF-style: chr18-12329567-A-G. GRCh37 (hg19) VCF-style: chr18-12329566-A-G.
Other names: *798Q; c.*384A>G (NM_001303525.2).
Identifiers: ClinVar variation 451875 (VCV000451875.4), dbSNP rs773545779, ClinGen allele CA8896211.
Genomic context (GRCh38, chr18:12,329,567, plus strand): 5'-AAATAATGCACCAGCTGAAACCACAGTGGACAGACTGAGATGGCCTCCCTCTGGGCCTCT[A>G]GTTGGCAACTTTCTCACCCGGGGGCTCCTCTTTCTCCTTTTCCCGCTCCTTGTTCCAGTC-3'

ClinVar aggregate classification (germline): Uncertain significance (1 of 4 stars; one submission).

Allele frequency attached by ClinVar (database versions not stated): gnomAD exomes 0.00004 and 0.00001; ExAC 0.00002.
gnomAD v4.1: 52 of 1,613,818 alleles (0.0032%); highest among the groups gnomAD compares: Non-Finnish European, 0.0043%; no homozygotes.

Submission:

GeneDx
Classification: Uncertain significance. Last evaluated: 2017-09-22. Review status: criteria provided, single submitter. Criteria: GeneDx Variant Classification (06012015). Collection method: clinical testing. Allele origin: germline. Affected: yes.
Comment: The c.2392 T>C variant has not been published as a pathogenic variant, nor has it been reported as a benign variant to our knowledge. The c.2392 T>C variant is observed in 2/66722 (0.003%) alleles from individuals of European background, in large population cohorts (Lek et al., 2016; 1000 Genomes Consortium et al., 2015; Exome Variant Server). The c.2392 T>C variant results in the normal termination codon at position 798 being replaced by a Glutamine codon and in the extension of the protein by 32 amino acids, denoted p.Ter798GlnextX32. In the absence of RNA/functional studies, the actual effect of this sequence change in this individual is unknown. In summary, based on the currently available information, it is unclear whether this variant is a pathogenic variant or a rare benign variant.